The following is an entry in ClinVar:

ClinVar aggregate classification (germline): Uncertain significance. Review status: criteria provided, multiple submitters, no conflicts (2 of 4 stars). 2 submissions from 2 submitters: Uncertain significance (2). Last evaluated 2025-02-15.

Conditions:
Hereditary cancer-predisposing syndrome. Also called: Hereditary neoplastic syndrome; Hereditary Cancer Syndrome; Tumor predisposition; Neoplastic Syndromes, Hereditary. Identifiers: Orphanet 140162, MedGen C0027672, MeSH D009386, MONDO:0015356.

Submissions (2):

Ambry Genetics
Classification: Uncertain significance for Hereditary cancer-predisposing syndrome. Last evaluated: 2025-02-15. Review status: criteria provided, single submitter. Criteria: Ambry Variant Classification Scheme 2023. Collection method: clinical testing. Allele origin: germline.
Comment: The p.M293I variant (also known as c.879G>A), located in coding exon 6 of the RAD50 gene, results from a G to A substitution at nucleotide position 879. The methionine at codon 293 is replaced by isoleucine, an amino acid with highly similar properties. This amino acid position is conserved. In addition, this alteration is predicted to be tolerated by in silico analysis. Based on the available evidence, the clinical significance of this variant remains unclear.

Labcorp Genetics (formerly Invitae), Labcorp
Classification: Uncertain significance for Hereditary cancer-predisposing syndrome. Last evaluated: 2021-10-07. Review status: criteria provided, single submitter. Criteria: Invitae Variant Classification Sherloc (09022015). Collection method: clinical testing. Allele origin: germline.
Comment: In summary, the available evidence is currently insufficient to determine the role of this variant in disease. Therefore, it has been classified as a Variant of Uncertain Significance. Algorithms developed to predict the effect of missense changes on protein structure and function (SIFT, PolyPhen-2, Align-GVGD) all suggest that this variant is likely to be tolerated. This variant has not been reported in the literature in individuals affected with RAD50-related conditions. This variant is not present in population databases (ExAC no frequency). This sequence change replaces methionine with isoleucine at codon 293 of the RAD50 protein (p.Met293Ile). The methionine residue is moderately conserved and there is a small physicochemical difference between methionine and isoleucine.

NM_005732.4(RAD50):c.879G>A (p.Met293Ile)

Gene: RAD50 (RAD50 double strand break repair protein; plus strand). Cytogenetic location: 5q31.1.
Variant type: single nucleotide variant.
Coding change: c.879G>A on transcript NM_005732.4 (MANE Select); coding-DNA position 879, G replaced by A.
Protein change: p.Met293Ile; replaces methionine 293 with isoleucine.
Molecular consequence: missense variant.
Genome position (GRCh38, 1-based): chr5:132,587,684, G>A. VCF-style: chr5-132587684-G-A. GRCh37 (hg19) VCF-style: chr5-131923376-G-A.
Other names: c.879G>A (NM_005732.3); short protein forms M293I.
Identifiers: ClinVar variation 1523479 (VCV001523479.7), dbSNP rs2149840478, ClinGen allele CA360940609.
Genomic context (GRCh38, chr5:132,587,684, plus strand): 5'-AGCCTTGGATAGCCGAAAGAAGCAAATGGAGAAAGATAATAGTGAACTGGAAGAGAAAAT[G>A]GAAAAGGTTTGTGGTGGTAGAATTTTGTTCTGCTTCAAAATTTTGGGATTATTGTAATGA-3'
Protein context (NP_005723.2, residues 283-303): EKDNSELEEK[Met293Ile]EKVFQGTDEQ